The following is an entry in ClinVar:

ClinVar aggregate classification (germline): Uncertain significance. Review status: criteria provided, multiple submitters, no conflicts (2 of 4 stars). 3 submissions from 3 submitters: Uncertain significance (3). Last evaluated 2025-02-19.

Conditions:
Hereditary cancer-predisposing syndrome. Also called: Neoplastic Syndromes, Hereditary; Hereditary Cancer Syndrome; Tumor predisposition; Hereditary neoplastic syndrome. Identifiers: Orphanet 140162, MedGen C0027672, MeSH D009386, MONDO:0015356.
Ataxia-telangiectasia syndrome (AT). Also called: LOUIS-BAR SYNDROME; Cerebello-oculocutaneous telangiectasia; Immunodeficiency with ataxia telangiectasia; Ataxia-telangiectasia, complementation group D; AT, COMPLEMENTATION GROUP C; Ataxia-telangiectasia, complementation group E. Identifiers: Orphanet 100, MedGen C0004135, MONDO:0008840, OMIM 208900.

Submissions (3):

Color Diagnostics, LLC DBA Color Health
Classification: Uncertain significance for Hereditary cancer-predisposing syndrome. Last evaluated: 2025-02-19. Review status: criteria provided, single submitter. Criteria: ACMG Guidelines, 2015. Collection method: clinical testing. Allele origin: germline.
Comment: This missense variant replaces serine with alanine at codon 2941 of the ATM protein. Computational prediction is inconclusive regarding the impact of this variant on protein structure and function. To our knowledge, functional studies have not been reported for this variant. This variant has been reported in an individual affected with pancreatic ductal adenocarcinoma (PMID: 35171259). This variant has not been identified in the general population by the Genome Aggregation Database (gnomAD). The available evidence is insufficient to determine the role of this variant in disease conclusively. Therefore, this variant is classified as a Variant of Uncertain Significance.

Ambry Genetics
Classification: Uncertain significance for Hereditary cancer-predisposing syndrome. Last evaluated: 2023-12-05. Review status: criteria provided, single submitter. Criteria: Ambry Variant Classification Scheme 2023. Collection method: clinical testing. Allele origin: germline.
Comment: The p.S2941A variant (also known as c.8821T>G), located in coding exon 60 of the ATM gene, results from a T to G substitution at nucleotide position 8821. The serine at codon 2941 is replaced by alanine, an amino acid with similar properties. This alteration was identified in 1 of 1009 patients amongst a cohort of Chinese patients with a personal history of pancreatic ductal adenocarcinoma (Yin L et al. JAMA Netw Open, 2022 Feb;5:e2148721). This amino acid position is highly conserved in available vertebrate species. In addition, the in silico prediction for this alteration is inconclusive. Since supporting evidence is limited at this time, the clinical significance of this alteration remains unclear.

Labcorp Genetics (formerly Invitae), Labcorp
Classification: Uncertain significance for Ataxia-telangiectasia syndrome. Last evaluated: 2017-06-26. Review status: criteria provided, single submitter. Criteria: Invitae Variant Classification Sherloc (09022015). Collection method: clinical testing. Allele origin: germline.
Comment: In summary, the available evidence is currently insufficient to determine the role of this variant in disease. Therefore, it has been classified as a Variant of Uncertain Significance. Algorithms developed to predict the effect of missense changes on protein structure and function (SIFT, PolyPhen-2, Align-GVGD) all suggest that this variant is likely to be disruptive, but these predictions have not been confirmed by published functional studies and their clinical significance is uncertain. This variant has not been reported in the literature in individuals with ATM-related disease. This variant is not present in population databases (ExAC no frequency). This sequence change replaces serine with alanine at codon 2941 of the ATM protein (p.Ser2941Ala). The serine residue is highly conserved and there is a moderate physicochemical difference between serine and alanine.

Literature cited by the submitters: PubMed 35171259 (cited by Color Diagnostics, LLC DBA Color Health and Ambry Genetics).

NM_000051.4(ATM):c.8821T>G (p.Ser2941Ala)

Genes: ATM (ATM serine/threonine kinase; plus strand), C11orf65 (chromosome 11 open reading frame 65; minus strand). Cytogenetic location: 11q22.3.
Variant type: single nucleotide variant.
Coding change: c.8821T>G on transcript NM_000051.4 (MANE Select); coding-DNA position 8821, T replaced by G.
Protein change: p.Ser2941Ala; replaces serine 2941 with alanine.
Molecular consequence: missense variant. On other transcripts: intron variant (2).
Genome position (GRCh38, 1-based): chr11:108,354,845, T>G. VCF-style: chr11-108354845-T-G. GRCh37 (hg19) VCF-style: chr11-108225572-T-G.
Other names: c.8821T>G, p.Ser2941Ala (NM_001351834.2); c.640+31075A>C (NM_001330368.2); c.695-19553A>C (NM_001351110.2); short protein forms S2941A.
Identifiers: ClinVar variation 453749 (VCV000453749.10), dbSNP rs1555143549, ClinGen allele CA382525884.